The following is an entry in ClinVar:

NM_058216.3(RAD51C):c.346C>A (p.Pro116Thr)

Gene: RAD51C (RAD51 paralog C; plus strand). Cytogenetic location: 17q22.
Variant type: single nucleotide variant.
Coding change: c.346C>A on transcript NM_058216.3 (MANE Select); coding-DNA position 346, C replaced by A.
Protein change: p.Pro116Thr; replaces proline 116 with threonine.
Molecular consequence: missense variant. On other transcripts: non-coding transcript variant (2).
Genome position (GRCh38, 1-based): chr17:58,695,131, C>A. VCF-style: chr17-58695131-C-A. GRCh37 (hg19) VCF-style: chr17-56772492-C-A.
Other names: c.346C>A, p.Pro116Thr (NM_002876.4); short protein forms P116T.
Identifiers: ClinVar variation 1331794 (VCV001331794.3), dbSNP rs2047955609, ClinGen allele CA400341478.

ClinVar aggregate classification (germline): Uncertain significance (1 of 4 stars; one submission).

Conditions:
Hereditary cancer-predisposing syndrome. Also called: Tumor predisposition; Hereditary Cancer Syndrome; Neoplastic Syndromes, Hereditary; Hereditary neoplastic syndrome. Identifiers: Orphanet 140162, MedGen C0027672, MeSH D009386, MONDO:0015356.

Allele frequency attached by ClinVar (database versions not stated): TOPMed below 0.00001; gnomAD 0.00001.

Submission:

Color Diagnostics, LLC DBA Color Health
Classification: Uncertain significance for Hereditary cancer-predisposing syndrome. Last evaluated: 2024-03-06. Review status: criteria provided, single submitter. Criteria: ACMG Guidelines, 2015. Collection method: clinical testing. Allele origin: germline.
Comment: This missense variant replaces proline with threonine at codon 116 of the RAD51C protein. Computational prediction suggests that this variant may not impact protein structure and function (internally defined REVEL score threshold <= 0.5, PMID: 27666373). To our knowledge, functional studies have not been reported for this variant. This variant has not been reported in individuals affected with hereditary cancer in the literature. This variant has not been identified in the general population by the Genome Aggregation Database (gnomAD). The available evidence is insufficient to determine the role of this variant in disease conclusively. Therefore, this variant is classified as a Variant of Uncertain Significance.